The following is an entry in ClinVar:

NM_001367624.2(ZNF469):c.11561C>T (p.Pro3854Leu)

Gene: ZNF469 (zinc finger protein 469; plus strand). Cytogenetic location: 16q24.2.
Variant type: single nucleotide variant.
Coding change: c.11561C>T on transcript NM_001367624.2 (MANE Select); coding-DNA position 11561, C replaced by T.
Protein change: p.Pro3854Leu; replaces proline 3854 with leucine.
Molecular consequence: missense variant.
Genome position (GRCh38, 1-based): chr16:88,439,031, C>T. VCF-style: chr16-88439031-C-T. GRCh37 (hg19) VCF-style: chr16-88505439-C-T.
Other names: NM_001127464.1:c.11477C>T; short protein forms P3854L.
Identifiers: ClinVar variation 3476141 (VCV003476141.1).
Genomic context (GRCh38, chr16:88,439,031, plus strand): 5'-TCGGGAGAGCCCCCTCAGCCCCTGACAAGCCCCCCCGGACCCCTCGGAAGCAGGCAACTC[C>T]CAGCCGCGTGCTCCCGACCAAGCCCAAGCCCAACAGCCAGAACAAACCCAGGCCGCCACC-3'
Protein context (NP_001354553.1, residues 3844-3864): PPRTPRKQAT[Pro3854Leu]SRVLPTKPKP

ClinVar aggregate classification (germline): Uncertain significance (1 of 4 stars; one submission).

Conditions:
Cardiovascular phenotype. Identifiers: MedGen CN230736.

gnomAD v4.1: 23 of 1,550,488 alleles (0.0015%); highest among the groups gnomAD compares: Middle Eastern, 0.017%; no homozygotes.

Submission:

Ambry Genetics
Classification: Uncertain significance for Cardiovascular phenotype. Last evaluated: 2024-10-15. Review status: criteria provided, single submitter. Criteria: Ambry Variant Classification Scheme 2023. Collection method: clinical testing. Allele origin: germline.
Comment: The p.P3826L variant (also known as c.11477C>T), located in coding exon 2 of the ZNF469 gene, results from a C to T substitution at nucleotide position 11477. The proline at codon 3826 is replaced by leucine, an amino acid with similar properties. This amino acid position is conserved. In addition, this alteration is predicted to be tolerated by in silico analysis. Based on the available evidence, the clinical significance of this variant remains unclear.